The following is an entry in ClinVar:

NM_000424.4(KRT5):c.556G>A (p.Val186Met)

Genes: KRT5 (keratin 5; minus strand), LOC126861526 (BRD4-independent group 4 enhancer GRCh37_chr12:52912066-52913265; plus strand). Cytogenetic location: 12q13.13.
Variant type: single nucleotide variant.
Coding change: c.556G>A on transcript NM_000424.4 (MANE Select); coding-DNA position 556, G replaced by A.
Protein change: p.Val186Met; replaces valine 186 with methionine.
Molecular consequence: missense variant.
Genome position (GRCh38, 1-based): chr12:52,519,160, C>T on the plus strand (G>A on the coding strand, the complement: KRT5 is on the minus strand). VCF-style: chr12-52519160-C-T. GRCh37 (hg19) VCF-style: chr12-52912944-C-T.
Other names: short protein forms V186M.
Identifiers: ClinVar variation 66267 (VCV000066267.10), dbSNP rs121912475, ClinGen allele CA216763.

ClinVar aggregate classification (germline): Pathogenic. Review status: criteria provided, multiple submitters, no conflicts (2 of 4 stars). 5 submissions from 5 submitters: Pathogenic (4). 1 of the submissions does not count toward it. Last evaluated 2026-05-12.

Conditions:
KRT5-related disorder. Also called: KRT5-related condition.
Epidermolysis bullosa simplex. Also called: Epidermolysis bullosa simplex, Weber-Cockayne type (subtype); Epidermolysis bullosa simplex, Dowling-Meara type (subtype); Epidermolysis bullosa simplex with mottled pigmentation (subtype). Identifiers: Orphanet 304, MedGen C0079298, MONDO:0017610.

Submissions (5):

PreventionGenetics, part of Exact Sciences
Classification: Pathogenic for KRT5-related condition. Last evaluated: 2026-05-12. Review status: criteria provided, single submitter. Criteria: ACMG Guidelines, 2015. Collection method: clinical testing. Allele origin: germline.
Comment: The KRT5 c.556G>A variant is predicted to result in the amino acid substitution p.Val186Met. This variant has been reported in the heterozygous state in individuals with epidermolysis bullosa simplex (see for example: Yasukawa et al. 2006. PubMed ID: 16882168; reported in both affected father and son in Table S1, Chen et al. 2023. PubMed ID: 36287101; Wertheim-Tysarowska et al. 2016. PubMed ID: 26432462; Hattori et al. 2006. PubMed ID: 17034543). Alternative substitutions affecting the same amino acid (p.Val186Leu and p.Val186Glu) have also been reported in individuals with epidermolysis bullosa simplex (see for example: Yasukawa et al. 2006. PubMed ID: 16882168; García. 2011. PubMed ID: 21623745). The c.556G>A (p.Val186Met) variant has not been reported in a large population database (gnomAD), indicating this variant is rare. This variant is interpreted as pathogenic.

Labcorp Genetics (formerly Invitae), Labcorp
Classification: Pathogenic. Last evaluated: 2025-08-04. Review status: criteria provided, single submitter. Criteria: Invitae Variant Classification Sherloc (09022015). Collection method: clinical testing. Allele origin: germline.
Comment: This sequence change replaces valine, which is neutral and non-polar, with methionine, which is neutral and non-polar, at codon 186 of the KRT5 protein (p.Val186Met). This variant is not present in population databases (gnomAD no frequency). This missense change has been observed in individuals with clinical features of autosomal dominant epidermolysis bullosa simplex (PMID: 16882168, 17034543, 26432462; internal data). ClinVar contains an entry for this variant (Variation ID: 66267). An algorithm developed to predict the effect of missense changes on protein structure and function (PolyPhen-2) suggests that this variant is likely to be disruptive. This variant disrupts the p.Val186 amino acid residue in KRT5. Other variant(s) that disrupt this residue have been determined to be pathogenic (PMID: 11407988, 16882168). This suggests that this residue is clinically significant, and that variants that disrupt this residue are likely to be disease-causing. For these reasons, this variant has been classified as Pathogenic.

GeneDx
Classification: Pathogenic. Last evaluated: 2022-09-12. Review status: criteria provided, single submitter. Criteria: GeneDx Variant Classification Process June 2021. Collection method: clinical testing. Allele origin: germline. Affected: yes.
Comment: Located in the critical 1A domain just outside the highly conserved helix initiation motif; variants in this motif interfere with proper keratin intermediate filament assembly and function, resulting in skin fragility, blistering, and/or hyperkeratosis (Chamcheu et al., 2011); A different missense change at this residue (p.(V186L)) has been reported as pathogenic in the published literature and at GeneDx in association with generalized intermediate EBS (Liovic et al., 2001; Castela et al., 2019); Not observed in large population cohorts (gnomAD); In silico analysis supports that this missense variant has a deleterious effect on protein structure/function; This variant is associated with the following publications: (PMID: 16882168, 26432462, 20199538, 21176769, 17034543, 11407988, 29932457)

Biomedical Innovation Departament, CIEMAT
Classification: Pathogenic for Simplex epidermolysis bullosa. Last evaluated: 2019-02-01. Review status: criteria provided, single submitter. Criteria: ACMG Guidelines, 2015. Collection method: research. Allele origin: germline. Affected: yes. Observed: 1 variant allele.

Epithelial Biology;  Institute of Medical Biology, Singapore
No classification provided. Review status: no classification provided. Collection method: not provided. Allele origin: not provided. Not counted in ClinVar's aggregate classification.

Literature cited by the submitters: PubMed 16882168 (cited by Labcorp Genetics (formerly Invitae), Labcorp); PubMed 17034543 (cited by Labcorp Genetics (formerly Invitae), Labcorp); PubMed 26432462 (cited by Labcorp Genetics (formerly Invitae), Labcorp); PubMed 11407988 (cited by Labcorp Genetics (formerly Invitae), Labcorp).